The following is an entry in ClinVar:

ClinVar aggregate classification (germline): Uncertain significance (1 of 4 stars; one submission).

Allele frequency attached by ClinVar (database versions not stated): TOPMed below 0.00001; gnomAD 0.00001.
gnomAD v4.1: 1 of 1,517,498 alleles (0.000066%); highest among the groups gnomAD compares: African/African-American, 0.0014%; no homozygotes.

Submission:

Labcorp Genetics (formerly Invitae), Labcorp
Classification: Uncertain significance. Last evaluated: 2022-11-08. Review status: criteria provided, single submitter. Criteria: Invitae Variant Classification Sherloc (09022015). Collection method: clinical testing. Allele origin: germline.
Comment: In summary, the available evidence is currently insufficient to determine the role of this variant in disease. Therefore, it has been classified as a Variant of Uncertain Significance. Advanced modeling of protein sequence and biophysical properties (such as structural, functional, and spatial information, amino acid conservation, physicochemical variation, residue mobility, and thermodynamic stability) performed at Invitae indicates that this missense variant is not expected to disrupt RASGRP1 protein function. This variant has not been reported in the literature in individuals affected with RASGRP1-related conditions. This variant is present in population databases (no rsID available, gnomAD 0.007%). This sequence change replaces glycine, which is neutral and non-polar, with arginine, which is basic and polar, at codon 642 of the RASGRP1 protein (p.Gly642Arg).

NM_005739.4(RASGRP1):c.1924G>C (p.Gly642Arg)

Gene: RASGRP1 (RAS guanyl releasing protein 1; minus strand). Cytogenetic location: 15q14.
Variant type: single nucleotide variant.
Coding change: c.1924G>C on transcript NM_005739.4 (MANE Select); coding-DNA position 1924, G replaced by C.
Protein change: p.Gly642Arg; replaces glycine 642 with arginine.
Molecular consequence: missense variant. On other transcripts: intron variant (1).
Genome position (GRCh38, 1-based): chr15:38,494,717, C>G on the plus strand (G>C on the coding strand, the complement: RASGRP1 is on the minus strand). VCF-style: chr15-38494717-C-G. GRCh37 (hg19) VCF-style: chr15-38786918-C-G.
Other names: c.1819G>C, p.Gly607Arg (NM_001128602.2); c.1769-4029G>C (NM_001306086.2); short protein forms G607R, G642R.
Identifiers: ClinVar variation 2131398 (VCV002131398.4), dbSNP rs1320021891, ClinGen allele CA391662412.